The following is an entry in ClinVar:

NM_001235.5(SERPINH1):c.1228A>G (p.Lys410Glu)

Gene: SERPINH1 (serpin family H member 1; plus strand). Cytogenetic location: 11q13.5.
Variant type: single nucleotide variant.
Coding change: c.1228A>G on transcript NM_001235.5 (MANE Select); coding-DNA position 1228, A replaced by G.
Protein change: p.Lys410Glu; replaces lysine 410 with glutamic acid.
Molecular consequence: missense variant.
Genome position (GRCh38, 1-based): chr11:75,572,054, A>G. VCF-style: chr11-75572054-A-G. GRCh37 (hg19) VCF-style: chr11-75283099-A-G.
Other names: c.1228A>G, p.Lys410Glu (NM_001207014.3); short protein forms K410E.
Identifiers: ClinVar variation 3766115 (VCV003766115.2).

ClinVar aggregate classification (germline): Uncertain significance. Review status: criteria provided, multiple submitters, no conflicts (2 of 4 stars). 2 submissions from 2 submitters: Uncertain significance (2). Last evaluated 2025-08-22.

Conditions:
Inborn genetic diseases. Identifiers: MedGen C0950123, MeSH D030342.

gnomAD v4.1: 41 of 1,614,162 alleles (0.0025%); highest among the groups gnomAD compares: Admixed American, 0.035%; no homozygotes.

Submissions (2):

Ambry Genetics
Classification: Uncertain significance for Inborn genetic diseases. Last evaluated: 2025-08-22. Review status: criteria provided, single submitter. Criteria: Ambry Variant Classification Scheme 2023. Collection method: clinical testing. Allele origin: germline.

GeneDx
Classification: Uncertain significance. Last evaluated: 2024-09-03. Review status: criteria provided, single submitter. Criteria: GeneDx Variant Classification Process June 2021. Collection method: clinical testing. Allele origin: germline. Affected: yes.
Comment: In silico analysis indicates that this missense variant does not alter protein structure/function; Has not been previously published as pathogenic or benign to our knowledge